The following is an entry in ClinVar:

ClinVar aggregate classification (germline): Uncertain significance (1 of 4 stars; one submission).

gnomAD v4.1: 12 of 1,614,116 alleles (0.00074%); highest among the groups gnomAD compares: African/African-American, 0.0013%; no homozygotes.

Submission:

Labcorp Genetics (formerly Invitae), Labcorp
Classification: Uncertain significance. Last evaluated: 2024-11-06. Review status: criteria provided, single submitter. Criteria: Invitae Variant Classification Sherloc (09022015). Collection method: clinical testing. Allele origin: germline.
Comment: This sequence change replaces serine, which is neutral and polar, with phenylalanine, which is neutral and non-polar, at codon 337 of the MOCS3 protein (p.Ser337Phe). This variant is not present in population databases (gnomAD no frequency). This variant has not been reported in the literature in individuals affected with MOCS3-related conditions. ClinVar contains an entry for this variant (Variation ID: 1380354). An algorithm developed to predict the effect of missense changes on protein structure and function (PolyPhen-2) suggests that this variant is likely to be disruptive. In summary, the available evidence is currently insufficient to determine the role of this variant in disease. Therefore, it has been classified as a Variant of Uncertain Significance.

NM_014484.5(MOCS3):c.1010C>T (p.Ser337Phe)

Gene: MOCS3 (molybdenum cofactor synthesis 3; plus strand). Cytogenetic location: 20q13.13.
Variant type: single nucleotide variant.
Coding change: c.1010C>T on transcript NM_014484.5 (MANE Select); coding-DNA position 1010, C replaced by T.
Protein change: p.Ser337Phe; replaces serine 337 with phenylalanine.
Molecular consequence: missense variant.
Genome position (GRCh38, 1-based): chr20:50,959,852, C>T. VCF-style: chr20-50959852-C-T. GRCh37 (hg19) VCF-style: chr20-49576389-C-T.
Other names: short protein forms S337F.
Identifiers: ClinVar variation 1380354 (VCV001380354.8), dbSNP rs45601340, ClinGen allele CA408985476.